The following is an entry in ClinVar:

ClinVar aggregate classification (germline): Likely benign. Review status: reviewed by expert panel (3 of 4 stars). 3 submissions from 3 submitters: Likely benign (1). 2 of the submissions do not count toward it. Last evaluated 2024-09-10.

Conditions:
Hereditary thrombocytopenia and hematologic cancer predisposition syndrome. Identifiers: Orphanet 71290, MedGen CN281654, MONDO:0011071.
Hereditary thrombocytopenia and hematological cancer predisposition syndrome associated with RUNX1. Also called: RUNX1 Familial Platelet Disorder with Associated Myeloid Malignancies; Familial Platelet Disorder with Propensity to Acute Myelogenous Leukemia; Familial thrombocytopenia with propensity to acute myelogenous leukemia; PLATELET DISORDER, ASPIRIN-LIKE. Identifiers: Orphanet 71290, MedGen C1832388, MeSH C563324, MONDO:0100083, OMIM 601399.
Inborn genetic diseases. Identifiers: MedGen C0950123, MeSH D030342.

Submissions (3):

ClinGen Myeloid Malignancy Variant Curation Expert Panel
Classification: Likely benign for Hereditary thrombocytopenia and hematologic cancer predisposition syndrome. Last evaluated: 2024-09-10. Review status: reviewed by expert panel. Criteria: ClinGen MyeloMalig ACMG Specifications v2. Collection method: curation. Allele origin: germline. Inheritance: Autosomal dominant inheritance.
Comment: NM_001754.5(RUNX1):c.1320G>A (p.Ala440=) is a synonymous variant which has a SpliceAI score ≤ 0.20 (0.0) (BP4). This variant has a SpliceAI score ≤ 0.20 (0.0) and evolutionary conservation algorithms predict the site as not being conserved (PhyloP score ≤ 2.0 (-0.628)) (BP7). This variant is completely absent from all population databases with at least 20x coverage for RUNX1 (PM2_supporting). In summary, this variant meets criteria to be classified as likely benign. ACMG/AMP criteria applied, as specified by the Myeloid Malignancy Variant Curation Expert Panel for RUNX1: BP4, BP7, PM2_supporting.

Ambry Genetics
Classification: Likely benign for Inborn genetic diseases. Last evaluated: 2025-02-22. Review status: criteria provided, single submitter. Criteria: Ambry Variant Classification Scheme 2023. Collection method: clinical testing. Allele origin: germline. Not counted in ClinVar's aggregate classification.

Labcorp Genetics (formerly Invitae), Labcorp
Classification: Likely benign for Hereditary thrombocytopenia and hematological cancer predisposition syndrome associated with RUNX1. Last evaluated: 2023-09-05. Review status: criteria provided, single submitter. Criteria: Invitae Variant Classification Sherloc (09022015). Collection method: clinical testing. Allele origin: germline. Not counted in ClinVar's aggregate classification.

NM_001754.5(RUNX1):c.1320G>A (p.Ala440=)

Gene: RUNX1 (RUNX family transcription factor 1; minus strand). Cytogenetic location: 21q22.12.
Variant type: single nucleotide variant.
Coding change: c.1320G>A on transcript NM_001754.5 (MANE Select); coding-DNA position 1320, G replaced by A.
Protein change: p.Ala440=; no amino-acid change (alanine 440 retained).
Molecular consequence: synonymous variant.
Genome position (GRCh38, 1-based): chr21:34,792,258, C>T on the plus strand (G>A on the coding strand, the complement: RUNX1 is on the minus strand). VCF-style: chr21-34792258-C-T. GRCh37 (hg19) VCF-style: chr21-36164555-C-T.
Other names: NM_001754.5(RUNX1):c.1320G>A; p.Ala440=; c.1239G>A, p.Ala413= (NM_001001890.3); c.1320G>A (NM_001754.4).
Identifiers: ClinVar variation 1574283 (VCV001574283.10), dbSNP rs2145873390, ClinGen allele CA512341050.